The following is an entry in ClinVar:

ClinVar aggregate classification (germline): Pathogenic/Likely pathogenic. Review status: criteria provided, multiple submitters, no conflicts (2 of 4 stars). 4 submissions from 4 submitters: Pathogenic (3); Likely pathogenic (1). Last evaluated 2024-10-16.

Conditions:
Hereditary cancer-predisposing syndrome. Also called: Neoplastic Syndromes, Hereditary; Hereditary neoplastic syndrome; Tumor predisposition; Hereditary Cancer Syndrome. Identifiers: Orphanet 140162, MedGen C0027672, MeSH D009386, MONDO:0015356.
Cardiovascular phenotype. Identifiers: MedGen CN230736.
Neurofibromatosis, type 1 (NF1). Also called: NEUROFIBROMATOSIS, TYPE I, SOMATIC; VON RECKLINGHAUSEN DISEASE; Peripheral type neurofibromatosis; Neurofibromatosis, type I. Identifiers: Orphanet 636, MedGen C0027831, MONDO:0018975, OMIM 162200. Disease mechanism: loss of function.

Submissions (4):

Ambry Genetics
Classification: Pathogenic for Cardiovascular phenotype; Hereditary cancer-predisposing syndrome. Last evaluated: 2024-10-16. Review status: criteria provided, single submitter. Criteria: Ambry Variant Classification Scheme 2023. Collection method: clinical testing. Allele origin: germline.
Comment: The p.K1105* pathogenic mutation (also known as c.3313A>T), located in coding exon 25 of the NF1 gene, results from an A to T substitution at nucleotide position 3313. This changes the amino acid from a lysine to a stop codon within coding exon 25. This variant has been observed in at least one individual with a personal and/or family history that is consistent with neurofibromatosis type 1 (Ambry internal data). This variant is considered to be rare based on population cohorts in the Genome Aggregation Database (gnomAD). This alteration is expected to result in loss of function by premature protein truncation or nonsense-mediated mRNA decay. As such, this alteration is interpreted as a disease-causing mutation.

Genome-Nilou Lab
Classification: Pathogenic for Neurofibromatosis, type 1. Last evaluated: 2022-03-15. Review status: criteria provided, single submitter. Criteria: ACMG Guidelines, 2015. Collection method: clinical testing. Allele origin: germline. Affected: no.

Labcorp Genetics (formerly Invitae), Labcorp
Classification: Pathogenic for Neurofibromatosis, type 1. Last evaluated: 2021-10-29. Review status: criteria provided, single submitter. Criteria: Invitae Variant Classification Sherloc (09022015). Collection method: clinical testing. Allele origin: germline.
Comment: This variant is not present in population databases (gnomAD no frequency). For these reasons, this variant has been classified as Pathogenic. Algorithms developed to predict the effect of sequence changes on RNA splicing suggest that this variant may disrupt the consensus splice site. ClinVar contains an entry for this variant (Variation ID: 547625). This variant has not been reported in the literature in individuals affected with NF1-related conditions. This sequence change creates a premature translational stop signal (p.Lys1105*) in the NF1 gene. It is expected to result in an absent or disrupted protein product. Loss-of-function variants in NF1 are known to be pathogenic (PMID: 10712197, 23913538).

Center for Human Genetics, Inc
Classification: Likely pathogenic for Neurofibromatosis, type 1. Last evaluated: 2016-11-01. Review status: criteria provided, single submitter. Criteria: ACMG Guidelines, 2015. Collection method: clinical testing. Allele origin: germline. Affected: yes.

Literature cited by the submitters: PubMed 10712197 (cited by Labcorp Genetics (formerly Invitae), Labcorp); PubMed 23913538 (cited by Labcorp Genetics (formerly Invitae), Labcorp).

NM_001042492.3(NF1):c.3313A>T (p.Lys1105Ter)

Gene: NF1 (neurofibromin 1; plus strand). Cytogenetic location: 17q11.2.
Variant type: single nucleotide variant.
Coding change: c.3313A>T on transcript NM_001042492.3 (MANE Select); coding-DNA position 3313, A replaced by T.
Protein change: p.Lys1105Ter; replaces lysine 1105 with a stop codon.
Molecular consequence: nonsense.
Genome position (GRCh38, 1-based): chr17:31,232,188, A>T. VCF-style: chr17-31232188-A-T. GRCh37 (hg19) VCF-style: chr17-29559206-A-T.
Other names: c.3313A>T, p.Lys1105Ter (NM_000267.4); short protein forms K1105*.
Identifiers: ClinVar variation 547625 (VCV000547625.8), dbSNP rs1555614867, ClinGen allele CA398988942.